The following is an entry in ClinVar:

ClinVar aggregate classification (germline): Pathogenic/Likely pathogenic. Review status: criteria provided, multiple submitters, no conflicts (2 of 4 stars). 2 submissions from 2 submitters: Pathogenic (1); Likely pathogenic (1). Last evaluated 2023-02-06.

Conditions:
MTRR-related disorder. Also called: MTRR-related condition.
Methylcobalamin deficiency type cblE (HMAE). Also called: HOMOCYSTINURIA-MEGALOBLASTIC ANEMIA, cblE COMPLEMENTATION TYPE; VITAMIN B12-RESPONSIVE HOMOCYSTINURIA, cblE TYPE; HOMOCYSTINURIA-MEGALOBLASTIC ANEMIA, cblE TYPE. Identifiers: Orphanet 2169, Orphanet 622, MedGen C1856057, MONDO:0009354, OMIM 236270.

Submissions (2):

PreventionGenetics, part of Exact Sciences
Classification: Likely pathogenic for MTRR-related condition. Last evaluated: 2023-02-06. Review status: criteria provided, single submitter. Criteria: ACMG Guidelines, 2015. Collection method: clinical testing. Allele origin: germline.
Comment: The MTRR c.354_358del5 variant is predicted to result in a frameshift and premature protein termination (p.Gly119Profs*5). To our knowledge, this variant has not been reported in the literature or in a large population database, indicating this variant is rare. Frameshift variants in MTRR are expected to be pathogenic. This variant is interpreted as likely pathogenic.

Labcorp Genetics (formerly Invitae), Labcorp
Classification: Pathogenic for Methylcobalamin deficiency type cblE. Last evaluated: 2020-11-21. Review status: criteria provided, single submitter. Criteria: Invitae Variant Classification Sherloc (09022015). Collection method: clinical testing. Allele origin: germline.
Comment: For these reasons, this variant has been classified as Pathogenic. This variant has not been reported in the literature in individuals with MTRR-related conditions. This variant is not present in population databases (ExAC no frequency). This sequence change creates a premature translational stop signal (p.Gly119Profs*5) in the MTRR gene. It is expected to result in an absent or disrupted protein product. Loss-of-function variants in MTRR are known to be pathogenic (PMID: 15714522).

Literature cited by the submitters: PubMed 15714522 (cited by Labcorp Genetics (formerly Invitae), Labcorp).

NM_002454.3(MTRR):c.354_358del (p.Gly119fs)

Gene: MTRR (5-methyltetrahydrofolate-homocysteine methyltransferase reductase; plus strand). Cytogenetic location: 5p15.31.
Variant type: Deletion.
Coding change: c.354_358del on transcript NM_002454.3 (MANE Select); coding-DNA positions 354 to 358, 5 bases deleted (TGGAG; older notation c.354_358delTGGAG).
Protein change: p.Gly119fs; shifts the reading frame from glycine 119.
Molecular consequence: frameshift variant. On other transcripts: non-coding transcript variant (14).
Genome position (GRCh38, 1-based): chr5:7,875,328-7,875,332, TGGAG deleted. VCF-style (leftmost placement, unchanged base first): chr5-7875327-TTGGAG-T. GRCh37 (hg19) VCF-style: chr5-7875440-TTGGAG-T.
Other names: c.354_358del5 (NM_002454.2); c.354_358del, p.Gly119fs (NM_001364440.2, NM_001364441.2, NM_001364442.2 and 1 more transcripts); short protein forms G119fs.
Identifiers: ClinVar variation 1452948 (VCV001452948.7), dbSNP rs2126675707, ClinGen allele CA2573139603.
Genomic context (GRCh38, chr5:7,875,327, plus strand): 5'-ATTCAGAATACACCTACTTTTGCAATGGGGGGAAGATAATTGATAAACGACTTCAAGAGC[TTGGAG>T]CCCGGCATTTCTATGACACTGGACATGCAGATGACTGTGTAGGGTAAGGGCAGTGTTCTC-3'